The following is an entry in ClinVar:

NM_020987.5(ANK3):c.8392G>A (p.Glu2798Lys)

Gene: ANK3 (ankyrin 3; minus strand). Cytogenetic location: 10q21.2.
Variant type: single nucleotide variant.
Coding change: c.8392G>A on transcript NM_020987.5 (MANE Select); coding-DNA position 8392, G replaced by A.
Protein change: p.Glu2798Lys; replaces glutamic acid 2798 with lysine.
Molecular consequence: missense variant. On other transcripts: intron variant (4).
Genome position (GRCh38, 1-based): chr10:60,072,489, C>T on the plus strand (G>A on the coding strand, the complement: ANK3 is on the minus strand). VCF-style: chr10-60072489-C-T. GRCh37 (hg19) VCF-style: chr10-61832247-C-T.
Other names: c.4388-4480G>A (NM_001204403.2); c.4409-4480G>A (NM_001204404.2); c.4406-4480G>A (NM_001320874.2); c.1808-4480G>A (NM_001149.4); c.8392G>A (NM_020987.3); short protein forms E2798K.
Identifiers: ClinVar variation 1438132 (VCV001438132.9), dbSNP rs750733016, ClinGen allele CA5511555.

ClinVar aggregate classification (germline): Uncertain significance. Review status: criteria provided, multiple submitters, no conflicts (2 of 4 stars). 2 submissions from 2 submitters: Uncertain significance (2). Last evaluated 2025-08-31.

Conditions:
Inborn genetic diseases. Identifiers: MedGen C0950123, MeSH D030342.

Allele frequency attached by ClinVar (database versions not stated): gnomAD exomes 0.00002 and 0.00003; TOPMed 0.00002; gnomAD 0.00003; ExAC 0.00004.
gnomAD v4.1: 34 of 1,613,892 alleles (0.0021%); highest among the groups gnomAD compares: Admixed American, 0.0067%; no homozygotes.

Submissions (2):

Labcorp Genetics (formerly Invitae), Labcorp
Classification: Uncertain significance. Last evaluated: 2025-08-31. Review status: criteria provided, single submitter. Criteria: Invitae Variant Classification Sherloc (09022015). Collection method: clinical testing. Allele origin: germline.
Comment: This sequence change replaces glutamic acid, which is acidic and polar, with lysine, which is basic and polar, at codon 2798 of the ANK3 protein (p.Glu2798Lys). This variant is present in population databases (rs750733016, gnomAD 0.009%). This variant has not been reported in the literature in individuals affected with ANK3-related conditions. ClinVar contains an entry for this variant (Variation ID: 1438132). Invitae Evidence Modeling of protein sequence and biophysical properties (such as structural, functional, and spatial information, amino acid conservation, physicochemical variation, residue mobility, and thermodynamic stability) indicates that this missense variant is not expected to disrupt ANK3 protein function with a negative predictive value of 80%. In summary, the available evidence is currently insufficient to determine the role of this variant in disease. Therefore, it has been classified as a Variant of Uncertain Significance.

Ambry Genetics
Classification: Uncertain significance for Inborn genetic diseases. Last evaluated: 2023-03-02. Review status: criteria provided, single submitter. Criteria: Ambry Variant Classification Scheme 2023. Collection method: clinical testing. Allele origin: germline.